The following is an entry in ClinVar:

NM_000428.3(LTBP2):c.2612dup (p.Cys872fs)

Gene: LTBP2 (latent transforming growth factor beta binding protein 2; minus strand). Cytogenetic location: 14q24.3.
Variant type: Duplication.
Coding change: c.2612dup on transcript NM_000428.3 (MANE Select); coding-DNA position 2612, one base duplicated (T; older notation c.2612dupT).
Protein change: p.Cys872fs; shifts the reading frame from cysteine 872.
Molecular consequence: frameshift variant.
Genome position (GRCh38, 1-based): chr14:74,522,837, A duplicated on the plus strand (T on the coding strand, the reverse complement: LTBP2 is on the minus strand). VCF-style (leftmost placement, unchanged base first): chr14-74522836-G-GA. GRCh37 (hg19) VCF-style: chr14-74989539-G-GA.
Other names: short protein forms C872fs.
Identifiers: ClinVar variation 2980767 (VCV002980767.3), dbSNP rs2506148934, ClinGen allele CA2625674206.
Genomic context (GRCh38, chr14:74,522,836, plus strand): 5'-ACCCAAGTGAATACCTGTGCAGTAGGCCTGGCTGGGGTGCAGCTGGTAGCCAGGGCTGCA[G>GA]ACACATCTGTATCCATCGGGGAGGTTCACGCAGGTTCCAGGGCCACAGACGTTGGTGGCT-3'

ClinVar aggregate classification (germline): Pathogenic (1 of 4 stars; one submission).

Allele frequency attached by ClinVar (database versions not stated): gnomAD exomes below 0.00001.

Submission:

Labcorp Genetics (formerly Invitae), Labcorp
Classification: Pathogenic. Last evaluated: 2022-11-05. Review status: criteria provided, single submitter. Criteria: Invitae Variant Classification Sherloc (09022015). Collection method: clinical testing. Allele origin: germline.
Comment: For these reasons, this variant has been classified as Pathogenic. This variant has not been reported in the literature in individuals affected with LTBP2-related conditions. This variant is not present in population databases (gnomAD no frequency). This sequence change creates a premature translational stop signal (p.Cys872Leufs*17) in the LTBP2 gene. It is expected to result in an absent or disrupted protein product. Loss-of-function variants in LTBP2 are known to be pathogenic (PMID: 19361779, 22025892).

Literature cited by the submitters: PubMed 19361779; PubMed 22025892.